The following is an entry in ClinVar:

ClinVar aggregate classification (germline): Uncertain significance. Review status: criteria provided, multiple submitters, no conflicts (2 of 4 stars). 2 submissions from 2 submitters: Uncertain significance (2). Last evaluated 2025-12-03.

Conditions:
Left ventricular noncompaction 1 (LVNC1). Also called: LEFT VENTRICULAR NONCOMPACTION 1 WITH OR WITHOUT CONGENITAL HEART DEFECTS. Identifiers: Orphanet 54260, MedGen C1858725, MONDO:0011403, OMIM 604169.

Allele frequency attached by ClinVar (database versions not stated): ExAC 0.00003; TOPMed 0.00005; gnomAD 0.00003; gnomAD exomes 0.00003.
gnomAD v4.1: 57 of 1,607,886 alleles (0.0035%); highest among the groups gnomAD compares: East Asian, 0.0089%; no homozygotes.

Submissions (2):

Labcorp Genetics (formerly Invitae), Labcorp
Classification: Uncertain significance for Left ventricular noncompaction 1. Last evaluated: 2025-12-03. Review status: criteria provided, single submitter. Criteria: Invitae Variant Classification Sherloc (09022015). Collection method: clinical testing. Allele origin: germline.
Comment: This sequence change falls in intron 5 of the DTNA gene. It does not directly change the encoded amino acid sequence of the DTNA protein. This variant is present in population databases (rs761037945, gnomAD 0.007%). This variant has not been reported in the literature in individuals affected with DTNA-related conditions. ClinVar contains an entry for this variant (Variation ID: 1227911). Algorithms developed to predict the effect of sequence changes on RNA splicing suggest that this variant may disrupt the consensus splice site. In summary, the available evidence is currently insufficient to determine the role of this variant in disease. Therefore, it has been classified as a Variant of Uncertain Significance.

GeneDx
Classification: Uncertain significance. Last evaluated: 2023-07-14. Review status: criteria provided, single submitter. Criteria: GeneDx Variant Classification Process June 2021. Collection method: clinical testing. Allele origin: germline. Affected: yes.
Comment: Has not been previously published as pathogenic or benign to our knowledge; In silico analysis is inconclusive as to whether the variant alters gene splicing. In the absence of RNA/functional studies, the actual effect of this sequence change is unknown.; Variants in candidate genes are classified as variants of uncertain significance in accordance with ACMG guidelines (Richards et al., 2015)

NM_001386795.1(DTNA):c.604-13T>G

Gene: DTNA (dystrobrevin alpha; plus strand). Cytogenetic location: 18q12.1.
Variant type: single nucleotide variant.
Coding change: c.604-13T>G on transcript NM_001386795.1 (MANE Select); 13 bases into the intron before coding-DNA position 604, T replaced by G.
Molecular consequence: intron variant.
Genome position (GRCh38, 1-based): chr18:34,815,896, T>G. VCF-style: chr18-34815896-T-G. GRCh37 (hg19) VCF-style: chr18-32395860-T-G.
Other names: c.604-13T>G (NM_032975.4, NM_001386761.1, NM_001386762.1 and 34 more transcripts); c.603+3783T>G (NM_001198945.2).
Identifiers: ClinVar variation 1227911 (VCV001227911.7), dbSNP rs761037945, ClinGen allele CA8935425.